The following is an entry in ClinVar:

ClinVar aggregate classification (germline): Uncertain significance. Review status: criteria provided, multiple submitters, no conflicts (2 of 4 stars). 2 submissions from 2 submitters: Uncertain significance (2). Last evaluated 2023-09-04.

Conditions:
Inborn genetic diseases. Identifiers: MedGen C0950123, MeSH D030342.
Developmental and epileptic encephalopathy, 30 (DEE30). Also called: Epileptic encephalopathy, early infantile, 30. Identifiers: MedGen C4225360, MONDO:0014595, OMIM 616341.

Submissions (2):

Labcorp Genetics (formerly Invitae), Labcorp
Classification: Uncertain significance for Developmental and epileptic encephalopathy, 30. Last evaluated: 2023-09-04. Review status: criteria provided, single submitter. Criteria: Invitae Variant Classification Sherloc (09022015). Collection method: clinical testing. Allele origin: germline.
Comment: In summary, the available evidence is currently insufficient to determine the role of this variant in disease. Therefore, it has been classified as a Variant of Uncertain Significance. Advanced modeling of protein sequence and biophysical properties (such as structural, functional, and spatial information, amino acid conservation, physicochemical variation, residue mobility, and thermodynamic stability) performed at Invitae indicates that this missense variant is not expected to disrupt SIK1 protein function. ClinVar contains an entry for this variant (Variation ID: 1021126). This variant has not been reported in the literature in individuals affected with SIK1-related conditions. This variant is present in population databases (no rsID available, gnomAD 0.004%). This sequence change replaces alanine, which is neutral and non-polar, with glycine, which is neutral and non-polar, at codon 518 of the SIK1 protein (p.Ala518Gly).

Ambry Genetics
Classification: Uncertain significance for Inborn genetic diseases. Last evaluated: 2022-03-29. Review status: criteria provided, single submitter. Criteria: Ambry Variant Classification Scheme 2023. Collection method: clinical testing. Allele origin: germline.

NM_173354.5(SIK1):c.1553C>G (p.Ala518Gly)

Gene: SIK1 (salt inducible kinase 1; minus strand). Cytogenetic location: 21q22.3.
Variant type: single nucleotide variant.
Coding change: c.1553C>G on transcript NM_173354.5 (MANE Select); coding-DNA position 1553, C replaced by G.
Protein change: p.Ala518Gly; replaces alanine 518 with glycine.
Molecular consequence: missense variant.
Genome position (GRCh38, 1-based): chr21:43,418,451, G>C on the plus strand (C>G on the coding strand, the complement: SIK1 is on the minus strand). VCF-style: chr21-43418451-G-C. GRCh37 (hg19) VCF-style: chr21-44838331-G-C.
Other names: c.1553C>G (NM_173354.3); short protein forms A518G.
Identifiers: ClinVar variation 1021126 (VCV001021126.10), dbSNP rs142171557, ClinGen allele CA410607768.